The following is an entry in ClinVar:

ClinVar aggregate classification (germline): Uncertain significance (1 of 4 stars; one submission).

Conditions:
Sulfite oxidase deficiency due to molybdenum cofactor deficiency type A. Also called: Molybdenum Cofactor Deficiency A; Molybdenum cofactor deficiency, complementation group A. Identifiers: Orphanet 308386, Orphanet 833, MedGen C1854988, MONDO:0009643, OMIM 252150.

Allele frequency attached by ClinVar (database versions not stated): gnomAD exomes below 0.00001; TOPMed below 0.00001; ExAC 0.00001.

Submission:

Labcorp Genetics (formerly Invitae), Labcorp
Classification: Uncertain significance for Sulfite oxidase deficiency due to molybdenum cofactor deficiency type A. Last evaluated: 2022-07-06. Review status: criteria provided, single submitter. Criteria: Invitae Variant Classification Sherloc (09022015). Collection method: clinical testing. Allele origin: germline.
Comment: This sequence change replaces tyrosine, which is neutral and polar, with cysteine, which is neutral and slightly polar, at codon 264 of the MOCS1 protein (p.Tyr264Cys). This variant is present in population databases (rs752839006, gnomAD 0.003%). This variant has not been reported in the literature in individuals affected with MOCS1-related conditions. Algorithms developed to predict the effect of missense changes on protein structure and function are either unavailable or do not agree on the potential impact of this missense change (SIFT: "Not Available"; PolyPhen-2: "Probably Damaging"; Align-GVGD: "Not Available"). In summary, the available evidence is currently insufficient to determine the role of this variant in disease. Therefore, it has been classified as a Variant of Uncertain Significance.

NM_001358530.2(MOCS1):c.791A>G (p.Tyr264Cys)

Gene: MOCS1 (molybdenum cofactor synthesis 1; minus strand). Cytogenetic location: 6p21.2.
Variant type: single nucleotide variant.
Coding change: c.791A>G on transcript NM_001358530.2 (MANE Select); coding-DNA position 791, A replaced by G.
Protein change: p.Tyr264Cys; replaces tyrosine 264 with cysteine.
Molecular consequence: missense variant. On other transcripts: non-coding transcript variant (1).
Genome position (GRCh38, 1-based): chr6:39,912,971, T>C on the plus strand (A>G on the coding strand, the complement: MOCS1 is on the minus strand). VCF-style: chr6-39912971-T-C. GRCh37 (hg19) VCF-style: chr6-39880715-T-C.
Other names: c.791A>G, p.Tyr264Cys (NM_001075098.4, NM_001358529.2, NM_005943.6); c.530A>G, p.Tyr177Cys (NM_001358531.2, NM_001358533.2, NM_001358534.2); short protein forms Y264C, Y177C.
Identifiers: ClinVar variation 1995128 (VCV001995128.1), dbSNP rs752839006, ClinGen allele CA3796145.
Genomic context (GRCh38, chr6:39,912,971, plus strand): 5'-TCCTCTGGCACCTTCTCCAGCTCTGGCCACTGCTGCCGGACAGTGTCTAGCATCTCCTTA[T>C]AGCTGACCATCTTCTTGAAGTTCCACTTGTTGCCTGTATTCGGGATGGGGGAAGGCAAGG-3'
Protein context (NP_001345459.1, residues 254-274): NKWNFKKMVS[Tyr264Cys]KEMLDTVRQQ